The following is an entry in ClinVar:

NM_173354.5(SIK1):c.2099C>T (p.Thr700Ile)

Gene: SIK1 (salt inducible kinase 1; minus strand). Cytogenetic location: 21q22.3.
Variant type: single nucleotide variant.
Coding change: c.2099C>T on transcript NM_173354.5 (MANE Select); coding-DNA position 2099, C replaced by T.
Protein change: p.Thr700Ile; replaces threonine 700 with isoleucine.
Molecular consequence: missense variant.
Genome position (GRCh38, 1-based): chr21:43,416,995, G>A on the plus strand (C>T on the coding strand, the complement: SIK1 is on the minus strand). VCF-style: chr21-43416995-G-A. GRCh37 (hg19) VCF-style: chr21-44836875-G-A.
Other names: short protein forms T700I.
Identifiers: ClinVar variation 1878516 (VCV001878516.1), dbSNP rs2516963883, ClinGen allele CA410606654.

ClinVar aggregate classification (germline): Uncertain significance (1 of 4 stars; one submission).

Conditions:
Developmental and epileptic encephalopathy, 30 (DEE30). Also called: Epileptic encephalopathy, early infantile, 30. Identifiers: MedGen C4225360, MONDO:0014595, OMIM 616341.

Submission:

Neuberg Centre For Genomic Medicine, NCGM
Classification: Uncertain significance for Developmental and epileptic encephalopathy, 30. Review status: criteria provided, single submitter. Criteria: ACMG Guidelines, 2015. Collection method: clinical testing. Allele origin: germline. Affected: yes.
Comment: The missense variant p.T700I in SIK1 (NM_173354.5) has not been reported previously as a pathogenic variant nor as a benign variant, to our knowledge. The p.T700I variant is novel (not in any individuals) in gnomAD Exomes and is novel (not in any individuals) in 1000 Genomes. There is a moderate physicochemical difference between threonine and isoleucine. The variant is predicted to be damaging by both SIFT and PolyPhen2. For these reasons, this variant has been classified as Uncertain Significance.